The following is an entry in ClinVar:

NC_000008.10:g.(?_100882993)_(100883945_?)del

Gene: VPS13B (vacuolar protein sorting 13 homolog B; plus strand). Cytogenetic location: 8q22.2.
Variant type: Deletion.
Identifiers: ClinVar variation 3245465 (VCV003245465.1).

ClinVar aggregate classification (germline): Pathogenic (1 of 4 stars; one submission).

Conditions:
Cohen syndrome (COH1). Also called: Cutis verticis gyrata, retinitis pigmentosa, and sensorineural deafness; PEPPER SYNDROME. Identifiers: Orphanet 193, MedGen C0265223, MONDO:0008999, OMIM 216550.

Submission:

Labcorp Genetics (formerly Invitae), Labcorp
Classification: Pathogenic for Cohen syndrome. Last evaluated: 2023-03-02. Review status: criteria provided, single submitter. Criteria: Invitae Variant Classification Sherloc (09022015). Collection method: clinical testing. Allele origin: unknown.
Comment: For these reasons, this variant has been classified as Pathogenic. This variant disrupts a region of the VPS13B protein in which other variant(s) (p.Lys3991Leufs*23) have been determined to be pathogenic (Invitae). This suggests that this is a clinically significant region of the protein, and that variants that disrupt it are likely to be disease-causing. This variant has not been reported in the literature in individuals affected with VPS13B-related conditions. This variant is a gross deletion of the genomic region encompassing exon(s) 60-61 of the VPS13B gene. While this deletion is not anticipated to lead to nonsense mediated decay, it is expected to disrupt the C-terminus of the protein.